The following is an entry in ClinVar:

NM_022437.3(ABCG8):c.1557C>T (p.Ala519=)

Gene: ABCG8 (ATP binding cassette subfamily G member 8; plus strand). Cytogenetic location: 2p21.
Variant type: single nucleotide variant.
Coding change: c.1557C>T on transcript NM_022437.3 (MANE Select); coding-DNA position 1557, C replaced by T.
Protein change: p.Ala519=; no amino-acid change (alanine 519 retained).
Molecular consequence: synonymous variant.
Genome position (GRCh38, 1-based): chr2:43,875,214, C>T. VCF-style: chr2-43875214-C-T. GRCh37 (hg19) VCF-style: chr2-44102353-C-T.
Other names: c.1557C>T (NM_022437.2); c.1554C>T, p.Ala518= (NM_001357321.2).
Identifiers: ClinVar variation 595768 (VCV000595768.8), dbSNP rs368114257, ClinGen allele CA1637543.

ClinVar aggregate classification (germline): Conflicting classifications of pathogenicity. Review status: criteria provided, conflicting classifications (1 of 4 stars). 3 submissions from 3 submitters: Uncertain significance (1); Likely benign (2). Last evaluated 2025-11-23.

Conditions:
ABCG8-related disorder. Also called: ABCG8-related condition.

Allele frequency attached by ClinVar (database versions not stated): gnomAD exomes below 0.00001; ExAC 0.00001; TOPMed 0.00001; gnomAD 0.00002; ESP Exome Variant Server 0.00008.
gnomAD v4.1: 4 of 1,614,120 alleles (0.00025%); highest among the groups gnomAD compares: African/African-American, 0.004%; no homozygotes.

Submissions (3):

Labcorp Genetics (formerly Invitae), Labcorp
Classification: Likely benign. Last evaluated: 2025-11-23. Review status: criteria provided, single submitter. Criteria: Invitae Variant Classification Sherloc (09022015). Collection method: clinical testing. Allele origin: germline.

PreventionGenetics, part of Exact Sciences
Classification: Likely benign for ABCG8-related condition. Last evaluated: 2025-10-21. Review status: criteria provided, single submitter. Criteria: ACMG Guidelines, 2015. Collection method: clinical testing. Allele origin: germline.
Comment: This variant is classified as likely benign based on ACMG/AMP sequence variant interpretation guidelines (Richards et al. 2015 PMID: 25741868, with internal and published modifications).

Eurofins Ntd Llc (ga)
Classification: Uncertain significance. Last evaluated: 2018-01-12. Review status: criteria provided, single submitter. Criteria: EGL Classification Definitions 2015. Collection method: clinical testing. Allele origin: germline. Observed: 1 variant allele, 1 heterozygote.